The following is an entry in ClinVar:

ClinVar aggregate classification (germline): Uncertain significance. Review status: criteria provided, multiple submitters, no conflicts (2 of 4 stars). 2 submissions from 2 submitters: Uncertain significance (2). Last evaluated 2022-11-21.

Conditions:
Inborn genetic diseases. Identifiers: MedGen C0950123, MeSH D030342.

Allele frequency attached by ClinVar (database versions not stated): TOPMed below 0.00001; gnomAD 0.00001; gnomAD exomes 0.00001.
gnomAD v4.1: 15 of 1,614,012 alleles (0.00093%); highest among the groups gnomAD compares: Non-Finnish European, 0.0011%; no homozygotes.

Submissions (2):

Ambry Genetics
Classification: Uncertain significance for Inborn genetic diseases. Last evaluated: 2022-11-21. Review status: criteria provided, single submitter. Criteria: Ambry Variant Classification Scheme 2023. Collection method: clinical testing. Allele origin: germline.

Labcorp Genetics (formerly Invitae), Labcorp
Classification: Uncertain significance. Last evaluated: 2022-07-28. Review status: criteria provided, single submitter. Criteria: Invitae Variant Classification Sherloc (09022015). Collection method: clinical testing. Allele origin: germline.
Comment: This sequence change replaces alanine, which is neutral and non-polar, with glycine, which is neutral and non-polar, at codon 1127 of the FN1 protein (p.Ala1127Gly). This variant is present in population databases (no rsID available, gnomAD 0.003%). This variant has not been reported in the literature in individuals affected with FN1-related conditions. Algorithms developed to predict the effect of missense changes on protein structure and function are either unavailable or do not agree on the potential impact of this missense change (SIFT: "Not Available"; PolyPhen-2: "Possibly Damaging"; Align-GVGD: "Not Available"). In summary, the available evidence is currently insufficient to determine the role of this variant in disease. Therefore, it has been classified as a Variant of Uncertain Significance.

NM_212482.4(FN1):c.3380C>G (p.Ala1127Gly)

Gene: FN1 (fibronectin 1; minus strand). Cytogenetic location: 2q35.
Variant type: single nucleotide variant.
Coding change: c.3380C>G on transcript NM_212482.4 (MANE Select); coding-DNA position 3380, C replaced by G.
Protein change: p.Ala1127Gly; replaces alanine 1127 with glycine.
Molecular consequence: missense variant.
Genome position (GRCh38, 1-based): chr2:215,397,817, G>C on the plus strand (C>G on the coding strand, the complement: FN1 is on the minus strand). VCF-style: chr2-215397817-G-C. GRCh37 (hg19) VCF-style: chr2-216262540-G-C.
Other names: c.3380C>G, p.Ala1127Gly (NM_001306129.2, NM_001306130.2, NM_001365519.2 and 13 more transcripts); c.3380C>G (NM_212482.1); short protein forms A1127G.
Identifiers: ClinVar variation 2188842 (VCV002188842.5), dbSNP rs1437639413, ClinGen allele CA350487835.